The following is an entry in ClinVar:

ClinVar aggregate classification (germline): Benign (3 of 4 stars; one submission).

Conditions:
Breast-ovarian cancer, familial, susceptibility to, 1 (BROVCA1). Also called: BRCA1 Hereditary Breast and Ovarian Cancer; OVARIAN CANCER, SUSCEPTIBILITY TO. Identifiers: Orphanet 145, MedGen C2676676, MONDO:0011450, OMIM 604370. Disease mechanism: loss of function.

Allele frequency attached by ClinVar (database versions not stated): 1000 Genomes Project 30x 0.00250; gnomAD 0.00274 and 0.00300; 1000 Genomes Project 0.00300; TOPMed 0.00309.
gnomAD v4.1: 413 of 152,298 alleles (0.27%); highest among the groups gnomAD compares: African/African-American, 0.93%; 1 homozygote.

Submission:

Evidence-based Network for the Interpretation of Germline Mutant Alleles (ENIGMA)
Classification: Benign for Breast-ovarian cancer, familial 1. Last evaluated: 2015-01-12. Review status: reviewed by expert panel. Criteria: ENIGMA BRCA1/2 Classification Criteria (2015). Collection method: curation. Allele origin: germline.
Comment: Class 1 not pathogenic based on frequency >1% in an outbred sampleset. Frequency 0.0122 (African), derived from 1000 genomes (2012-04-30).

NM_007294.4(BRCA1):c.4185+355C>T

Gene: BRCA1 (BRCA1 DNA repair associated; minus strand). Cytogenetic location: 17q21.31.
Variant type: single nucleotide variant.
Coding change: c.4185+355C>T on transcript NM_007294.4 (MANE Select); 355 bases into the intron after coding-DNA position 4185, C replaced by T.
Molecular consequence: intron variant.
Genome position (GRCh38, 1-based): chr17:43,090,589, G>A on the plus strand (C>T on the coding strand, the complement: BRCA1 is on the minus strand). VCF-style: chr17-43090589-G-A. GRCh37 (hg19) VCF-style: chr17-41242606-G-A.
Other names: IVS 12+355C>T; c.4062+355C>T (NM_001407680.1, NM_001407664.1, NM_001407648.1 and 19 more transcripts); c.759+355C>T (NM_001408419.1, NM_001408422.1, NM_001408418.1 and 2 more transcripts); c.876+355C>T (NM_001408403.1, NM_001407983.1, NM_001407975.1 and 17 more transcripts); c.870+355C>T (NM_001408406.1); c.4185+355C>T (NM_001407641.1, NM_001407624.1, NM_001407858.1 and 30 more transcripts); c.3681+355C>T (NM_001407965.1); c.3918+355C>T (NM_001407930.1, NM_001407931.1, NM_001407932.1 and 2 more transcripts); and 42 more.
Identifiers: ClinVar variation 209441 (VCV000209441.2), dbSNP rs148953585, ClinGen allele CA276413.